The following is an entry in ClinVar:

ClinVar aggregate classification (germline): Conflicting classifications of pathogenicity. Review status: criteria provided, conflicting classifications (1 of 4 stars). 3 submissions from 3 submitters: Likely pathogenic (1); Uncertain significance (2). Last evaluated 2024-12-24.

Conditions:
Neuronal ceroid lipofuscinosis. Also called: Neuronal Ceroid Lipofuscinoses. Identifiers: Orphanet 216, Orphanet 79263, MedGen C0027877, MONDO:0016295. Disease mechanism: loss of function.
Neuronal ceroid lipofuscinosis 10 (CLN10). Also called: CTSD-Related Neuronal Ceroid-Lipofuscinosis; NEURONAL CEROID LIPOFUSCINOSIS DUE TO CATHEPSIN D DEFICIENCY. Identifiers: Orphanet 228337, MedGen C1864669, MONDO:0012414, OMIM 610127.

Submissions (3):

Women's Health and Genetics/Laboratory Corporation of America, LabCorp
Classification: Uncertain significance. Last evaluated: 2024-12-24. Review status: criteria provided, single submitter. Criteria: LabCorp Variant Classification Summary - May 2015. Collection method: clinical testing. Allele origin: germline.
Comment: Variant summary: CTSD c.686_688delTCT (p.Phe229del) results in an in-frame deletion that is predicted to remove one amino acid from the encoded protein. The variant was absent in 250310 control chromosomes. The available data on variant occurrences in the general population are insufficient to allow any conclusion about variant significance. c.686_688delTCT has been reported in the literature in at-least one individual affected with Neonatal encephalopathy (example: Fokstuen_2016, Varvagiannis_2018). These report(s) do not provide unequivocal conclusions about association of the variant with Neuronal Ceroid-Lipofuscinosis (Batten Disease). To our knowledge, no experimental evidence demonstrating an impact on protein function has been reported. The following publications have been ascertained in the context of this evaluation (PMID: 31589614, 27353043, 29284168). ClinVar contains an entry for this variant (Variation ID: 375630). Based on the evidence outlined above, the variant was classified as uncertain significance.

Labcorp Genetics (formerly Invitae), Labcorp
Classification: Uncertain significance for Neuronal ceroid lipofuscinosis. Last evaluated: 2022-08-09. Review status: criteria provided, single submitter. Criteria: Invitae Variant Classification Sherloc (09022015). Collection method: clinical testing. Allele origin: germline.
Comment: This variant, c.686_688del, results in the deletion of 1 amino acid(s) of the CTSD protein (p.Phe229del), but otherwise preserves the integrity of the reading frame. This variant is not present in population databases (gnomAD no frequency). This variant has been observed in individual(s) with clinical features of neuronal ceroid lipofuscinosis (PMID: 27353043, 29284168). Experimental studies and prediction algorithms are not available or were not evaluated, and the functional significance of this variant is currently unknown. In summary, the available evidence is currently insufficient to determine the role of this variant in disease. Therefore, it has been classified as a Variant of Uncertain Significance.

Center of Genomic medicine, Geneva, University Hospital of Geneva
Classification: Likely pathogenic for Neuronal ceroid lipofuscinosis 10. Last evaluated: 2015-11-06. Review status: criteria provided, single submitter. Criteria: ACMG Guidelines, 2015. Collection method: clinical testing. Allele origin: inherited. Affected: yes.
Comment: The identified variant (Phe229del) has bever been described before. However, a missense variant affecting the same amino acid (Phe229) has been reported in a child presenting a progressive psychomotor deficience (PMID 16686649).

Literature cited by the submitters: PubMed 31589614 (cited by Women's Health and Genetics/Laboratory Corporation of America, LabCorp); PubMed 27353043 (cited by Women's Health and Genetics/Laboratory Corporation of America, LabCorp and Labcorp Genetics (formerly Invitae), Labcorp); PubMed 29284168 (cited by Women's Health and Genetics/Laboratory Corporation of America, LabCorp and Labcorp Genetics (formerly Invitae), Labcorp); PubMed 16685649 (cited by Center of Genomic medicine, Geneva, University Hospital of Geneva).

NM_001909.5(CTSD):c.683TCT[1] (p.Phe229del)

Gene: CTSD (cathepsin D; minus strand). Cytogenetic location: 11p15.5.
Variant type: Microsatellite.
Coding change: c.683TCT[1] on transcript NM_001909.5 (MANE Select); one copy of the 3-base unit TCT starting at c.683; the reference has two copies in a row; one copy, 3 bases deleted.
Protein change: p.Phe229del; deletes phenylalanine 229.
Molecular consequence: inframe deletion.
Genome position (GRCh38, 1-based): chr11:1,757,340-1,757,342, AGA deleted on the plus strand (TCT on the coding strand, the reverse complement: CTSD is on the minus strand); deleting any 3 consecutive bases within chr11:1,757,340-1,757,345 gives the same sequence; the position shown is the placement nearest the transcript's 3' end. VCF-style (leftmost placement, unchanged base first): chr11-1757339-GAGA-G. GRCh37 (hg19) VCF-style: chr11-1778569-GAGA-G.
Other names: c.686_688delTCT (NM_001909.5); short protein forms F229del.
Identifiers: ClinVar variation 375630 (VCV000375630.6), dbSNP rs1057519591, ClinGen allele CA16044399.